The following is an entry in ClinVar:

NM_000238.4(KCNH2):c.232G>A (p.Ala78Thr)

Gene: KCNH2 (potassium voltage-gated channel subfamily H member 2; minus strand). Cytogenetic location: 7q36.1.
Variant type: single nucleotide variant.
Coding change: c.232G>A on transcript NM_000238.4 (MANE Select); coding-DNA position 232, G replaced by A.
Protein change: p.Ala78Thr; replaces alanine 78 with threonine.
Molecular consequence: missense variant.
Genome position (GRCh38, 1-based): chr7:150,974,786, C>T on the plus strand (G>A on the coding strand, the complement: KCNH2 is on the minus strand). VCF-style: chr7-150974786-C-T. GRCh37 (hg19) VCF-style: chr7-150671874-C-T.
Other names: c.55G>A, p.Ala19Thr (NM_001406755.1); c.232G>A, p.Ala78Thr (NM_172056.3); short protein forms A78T, A19T.
Identifiers: ClinVar variation 1197726 (VCV001197726.7), dbSNP rs199472848, ClinGen allele CA369865533.

ClinVar aggregate classification (germline): Pathogenic/Likely pathogenic. Review status: criteria provided, multiple submitters, no conflicts (2 of 4 stars). 2 submissions from 2 submitters: Pathogenic (1); Likely pathogenic (1). Last evaluated 2024-10-10.

Conditions:
Long QT syndrome 2 (LQT2). Identifiers: Orphanet 101016, Orphanet 768, MedGen C3150943, MONDO:0013367, OMIM 613688.

Submissions (2):

Victorian Clinical Genetics Services, Murdoch Childrens Research Institute
Classification: Pathogenic for Long QT syndrome 2. Last evaluated: 2024-10-10. Review status: criteria provided, single submitter. Criteria: ACMG Guidelines, 2015. Collection method: clinical testing. Allele origin: germline. Inheritance: Autosomal dominant inheritance. Affected: yes.
Comment: Based on the classification scheme VCGS_Germline_v1.3.5, this variant is classified as Pathogenic. Following criteria are met: 0103 - Dominant negative and loss of function are known mechanisms of disease in this gene and are associated with Long QT syndrome 2 (MIM#613688). Gain of function is also a known mechanism associated with Short QT syndrome 1 (MIM#609620) (OMIM, PMID: 10753933; PMID: 21777565). (I) 0107 - This gene is associated with autosomal dominant disease. (I) 0112 - The condition associated with this gene has incomplete penetrance (PMID: 20301308). (I) 0200 - Variant is predicted to result in a missense amino acid change from alanine to threonine. (I) 0251 - This variant is heterozygous. (I) 0301 - Variant is absent from gnomAD (v2, v3 and v4). (SP) 0502 - Missense variant with conflicting in silico predictions and uninformative conservation. (I) 0600 - Variant is located in the annotated N-terminal domain (PDB). (I) 0704 - Another missense variant comparable to the one identified in this case has limited previous evidence for pathogenicity. p.(Ala78Pro) has been identified in two LQTS patients (PMIDs: 10973849, 15840476). (SP) 0803 - This variant has limited previous evidence of pathogenicity in an unrelated individual. (SP) 0901 - This variant has strong evidence for segregation with disease. This variant has segregated with LQTS in 10 family members tested at VCGS. (SP) 1002 - This variant has moderate functional evidence supporting abnormal protein function. Functional analysis shows that this variant results in a significant reduction in peak outward current (PMID: 27761169) (SP) Legend: (SP) - Supporting pathogenic, (I) - Information, (SB) - Supporting benign

GeneDx
Classification: Likely pathogenic. Last evaluated: 2024-10-03. Review status: criteria provided, single submitter. Criteria: GeneDx Variant Classification Process June 2021. Collection method: clinical testing. Allele origin: germline. Affected: yes.
Comment: Not observed at significant frequency in large population cohorts (gnomAD); In silico analysis indicates that this missense variant does not alter protein structure/function; In vitro functional studies in HEK293 cells suggest that this variant impairs KCNH2 protein stability leading to a significant reduction in cell surface expression and potassium channel currents (PMID: 27761169); Published functional studies in Plp-In T-REx HEK293 cells suggest this variant impacts both trafficking and channel function (PMID: 35688148); This variant is associated with the following publications: (PMID: 35688148, 27761169)

Literature cited by the submitters: PubMed 10753933 (cited by Victorian Clinical Genetics Services, Murdoch Childrens Research Institute); PubMed 10973849 (cited by Victorian Clinical Genetics Services, Murdoch Childrens Research Institute); PubMed 15840476 (cited by Victorian Clinical Genetics Services, Murdoch Childrens Research Institute); PubMed 20301308 (cited by Victorian Clinical Genetics Services, Murdoch Childrens Research Institute); PubMed 21777565 (cited by Victorian Clinical Genetics Services, Murdoch Childrens Research Institute); PubMed 27761169 (cited by Victorian Clinical Genetics Services, Murdoch Childrens Research Institute).